The following is an entry in ClinVar:

ClinVar aggregate classification (germline): Uncertain significance. Review status: criteria provided, multiple submitters, no conflicts (2 of 4 stars). 7 submissions from 7 submitters: Uncertain significance (6). 1 of the submissions does not count toward it. Last evaluated 2025-06-16.

Conditions:
BBS10-related disorder. Also called: BBS10-related condition.
Bardet-Biedl syndrome (BBS). Identifiers: Orphanet 110, MedGen C0752166, MONDO:0015229.
Bardet-Biedl syndrome 10 (BBS10). Identifiers: Orphanet 110, MedGen C1859568, MONDO:0014438, OMIM 615987.

Allele frequency attached by ClinVar (database versions not stated): ExAC 0.00002; ESP Exome Variant Server 0.00008; gnomAD 0.00003; gnomAD exomes 0.00003; TOPMed 0.00003.

Submissions (7):

Labcorp Genetics (formerly Invitae), Labcorp
Classification: Uncertain significance for Bardet-Biedl syndrome. Last evaluated: 2025-06-16. Review status: criteria provided, single submitter. Criteria: Invitae Variant Classification Sherloc (09022015). Collection method: clinical testing. Allele origin: germline.
Comment: This sequence change replaces arginine, which is basic and polar, with tryptophan, which is neutral and slightly polar, at codon 422 of the BBS10 protein (p.Arg422Trp). This variant is present in population databases (rs375746803, gnomAD 0.01%). This variant has not been reported in the literature in individuals affected with BBS10-related conditions. ClinVar contains an entry for this variant (Variation ID: 166722). Invitae Evidence Modeling of protein sequence and biophysical properties (such as structural, functional, and spatial information, amino acid conservation, physicochemical variation, residue mobility, and thermodynamic stability) indicates that this missense variant is not expected to disrupt BBS10 protein function with a negative predictive value of 80%. In summary, the available evidence is currently insufficient to determine the role of this variant in disease. Therefore, it has been classified as a Variant of Uncertain Significance.

Dasa
Classification: Uncertain significance. Last evaluated: 2024-12-10. Review status: criteria provided, single submitter. Criteria: DASA Assertion Criteria. Collection method: clinical testing. Allele origin: germline.
Comment: NM_024685.4(BBS10):c.1264C>T (p.Arg422Trp) is a missense variant that results in the substitution of arginine with tryptophan. This variant has been observed in affected individuals with BBS10-related disorders. Also, this variant is rare in population databases. The currently available literature and clinical evidence are not sufficient to establish a definitive association between this variant and the reported condition. Therefore, this variant is classified as a variant of uncertain significance.

Blueprint Genetics
Classification: Uncertain significance. Last evaluated: 2024-06-26. Review status: criteria provided, single submitter. Criteria: ACMG Guidelines, 2015. Collection method: clinical testing. Allele origin: germline.

PreventionGenetics, part of Exact Sciences
Classification: Uncertain significance for BBS10-related condition. Last evaluated: 2023-02-21. Review status: criteria provided, single submitter. Criteria: ACMG Guidelines, 2015. Collection method: clinical testing. Allele origin: germline.
Comment: The BBS10 c.1264C>T variant is predicted to result in the amino acid substitution p.Arg422Trp. To our knowledge, this variant has not been reported in the literature. This variant is reported in 0.012% of alleles in individuals of African descent in gnomAD. At this time, the clinical significance of this variant is uncertain due to the absence of conclusive functional and genetic evidence.

Fulgent Genetics
Classification: Uncertain significance for Bardet-Biedl syndrome 10. Last evaluated: 2022-04-07. Review status: criteria provided, single submitter. Criteria: ACMG Guidelines, 2015. Collection method: clinical testing. Allele origin: unknown.

Eurofins Ntd Llc (ga)
Classification: Uncertain significance. Last evaluated: 2014-01-30. Review status: criteria provided, single submitter. Criteria: EGL Classification Definitions 2015. Collection method: clinical testing. Allele origin: germline. Observed: 1 variant allele, 1 heterozygote.

Counsyl
Classification: Uncertain significance for Bardet-Biedl syndrome 10. Last evaluated: 2017-12-14. Review status: no assertion criteria provided. Collection method: clinical testing. Allele origin: unknown. Not counted in ClinVar's aggregate classification.

NM_024685.4(BBS10):c.1264C>T (p.Arg422Trp)

Gene: BBS10 (Bardet-Biedl syndrome 10; minus strand). Cytogenetic location: 12q21.2.
Variant type: single nucleotide variant.
Coding change: c.1264C>T on transcript NM_024685.4 (MANE Select); coding-DNA position 1264, C replaced by T.
Protein change: p.Arg422Trp; replaces arginine 422 with tryptophan.
Molecular consequence: missense variant.
Genome position (GRCh38, 1-based): chr12:76,346,721, G>A on the plus strand (C>T on the coding strand, the complement: BBS10 is on the minus strand). VCF-style: chr12-76346721-G-A. GRCh37 (hg19) VCF-style: chr12-76740501-G-A.
Other names: c.1264C>T, p.Arg422Trp (LRG_1255t1); short protein forms R422W.
Identifiers: ClinVar variation 166722 (VCV000166722.15), dbSNP rs375746803, ClinGen allele CA233510.
Genomic context (GRCh38, chr12:76,346,721, plus strand): 5'-TGCCATTTTGGTCATTGGTTTGTGTCATGTAATTTAGATCAAGGTCTTTAAATAATTGCC[G>A]AAGCATTTTAAGTGCTCCATGTAAAGCATCCTCATGTTGTTCAATGAGACCATGCACTGG-3'
Protein context (NP_078961.3, residues 412-432): DALHGALKML[Arg422Trp]QLFKDLDLNY